The following is an entry in ClinVar:

NM_032199.3(ARID5B):c.2234C>T (p.Ala745Val)

Gene: ARID5B (AT-rich interaction domain 5B; plus strand). Cytogenetic location: 10q21.2.
Variant type: single nucleotide variant.
Coding change: c.2234C>T on transcript NM_032199.3 (MANE Select); coding-DNA position 2234, C replaced by T.
Protein change: p.Ala745Val; replaces alanine 745 with valine.
Molecular consequence: missense variant.
Genome position (GRCh38, 1-based): chr10:62,091,697, C>T. VCF-style: chr10-62091697-C-T. GRCh37 (hg19) VCF-style: chr10-63851456-C-T.
Other names: c.1505C>T, p.Ala502Val (NM_001244638.2); short protein forms A745V, A502V.
Identifiers: ClinVar variation 2360327 (VCV002360327.3), dbSNP rs201542647, ClinGen allele CA5515461.

ClinVar aggregate classification (germline): Conflicting classifications of pathogenicity. Review status: criteria provided, conflicting classifications (1 of 4 stars). 2 submissions from 2 submitters: Uncertain significance (1); Likely benign (1). Last evaluated 2025-06-20.

Conditions:
ARID5B-related disorder. Also called: ARID5B-related condition.

Allele frequency attached by ClinVar (database versions not stated): ESP Exome Variant Server 0.00008; gnomAD exomes 0.00010; gnomAD 0.00015; TOPMed 0.00016; ExAC 0.00017.
gnomAD v4.1: 189 of 1,613,960 alleles (0.012%); highest among the groups gnomAD compares: Admixed American, 0.0083%; no homozygotes.

Submissions (2):

PreventionGenetics, part of Exact Sciences
Classification: Likely benign for ARID5B-related condition. Last evaluated: 2025-06-20. Review status: criteria provided, single submitter. Criteria: ACMG Guidelines, 2015. Collection method: clinical testing. Allele origin: germline.
Comment: This variant is classified as likely benign based on ACMG/AMP sequence variant interpretation guidelines (Richards et al. 2015 PMID: 25741868, with internal and published modifications).

Ambry Genetics
Classification: Uncertain significance. Last evaluated: 2022-08-16. Review status: criteria provided, single submitter. Criteria: Ambry Variant Classification Scheme 2023. Collection method: clinical testing. Allele origin: germline.